The following is an entry in ClinVar:

NM_014423.4(AFF4):c.1795A>G (p.Ser599Gly)

Gene: AFF4 (ALF transcription elongation factor 4; minus strand). Cytogenetic location: 5q31.1.
Variant type: single nucleotide variant.
Coding change: c.1795A>G on transcript NM_014423.4 (MANE Select); coding-DNA position 1795, A replaced by G.
Protein change: p.Ser599Gly; replaces serine 599 with glycine.
Molecular consequence: missense variant.
Genome position (GRCh38, 1-based): chr5:132,896,835, T>C on the plus strand (A>G on the coding strand, the complement: AFF4 is on the minus strand). VCF-style: chr5-132896835-T-C. GRCh37 (hg19) VCF-style: chr5-132232527-T-C.
Other names: c.1795A>G (NM_014423.3); short protein forms S599G.
Identifiers: ClinVar variation 2745422 (VCV002745422.3), dbSNP rs886131803, ClinGen allele CA127273421.
Genomic context (GRCh38, chr5:132,896,835, plus strand): 5'-ACTTAGACTCCTTCTTTATATTGGGTTTCCTTGAGCCTTTGGTGGCTGCTTTGTGTCTGC[T>C]GGAGGGCATGCTGCTAGCCAAGTCTACAGGGGTTTCACTTTCTATCTTCAGGCCTCCACG-3'
Protein context (NP_055238.1, residues 589-609): PVDLASSMPS[Ser599Gly]RHKAATKGSR

ClinVar aggregate classification (germline): Uncertain significance. Review status: criteria provided, single submitter (1 of 4 stars). 2 submissions from 2 submitters: Uncertain significance (1). 1 of the submissions does not count toward it. Last evaluated 2023-12-19.

Conditions:
AFF4-related disorder. Also called: AFF4-related condition.
Cognitive impairment - coarse facies - heart defects - obesity - pulmonary involvement - short stature - skeletal dysplasia syndrome. Also called: AFF4-Related CHOPS Syndrome; COGNITIVE IMPAIRMENT, COARSE FACIES, HEART DEFECTS, OBESITY, PULMONARY INVOLVEMENT, SHORT STATURE, AND SKELETAL DYSPLASIA; Chops syndrome. Identifiers: Orphanet 444077, MedGen C4085597, MONDO:0014609, OMIM 616368.

Allele frequency attached by ClinVar (database versions not stated): TOPMed below 0.00001; gnomAD 0.00001; gnomAD exomes 0.00001.

Submissions (2):

Labcorp Genetics (formerly Invitae), Labcorp
Classification: Uncertain significance for Cognitive impairment - coarse facies - heart defects - obesity - pulmonary involvement - short stature - skeletal dysplasia syndrome. Last evaluated: 2023-12-19. Review status: criteria provided, single submitter. Criteria: Invitae Variant Classification Sherloc (09022015). Collection method: clinical testing. Allele origin: germline.
Comment: This sequence change replaces serine, which is neutral and polar, with glycine, which is neutral and non-polar, at codon 599 of the AFF4 protein (p.Ser599Gly). This variant is not present in population databases (gnomAD no frequency). This variant has not been reported in the literature in individuals affected with AFF4-related conditions. Advanced modeling of protein sequence and biophysical properties (such as structural, functional, and spatial information, amino acid conservation, physicochemical variation, residue mobility, and thermodynamic stability) performed at Invitae indicates that this missense variant is not expected to disrupt AFF4 protein function with a negative predictive value of 80%. In summary, the available evidence is currently insufficient to determine the role of this variant in disease. Therefore, it has been classified as a Variant of Uncertain Significance.

PreventionGenetics, part of Exact Sciences
Classification: Uncertain significance for AFF4-related condition. Last evaluated: 2024-02-07. Review status: no assertion criteria provided. Collection method: clinical testing. Allele origin: germline. Not counted in ClinVar's aggregate classification.
Comment: The AFF4 c.1795A>G variant is predicted to result in the amino acid substitution p.Ser599Gly. To our knowledge, this variant has not been reported in the literature or in a large population database, indicating this variant is rare. At this time, the clinical significance of this variant is uncertain due to the absence of conclusive functional and genetic evidence.